The following is an entry in ClinVar:

NM_182961.4(SYNE1):c.3872A>G (p.Asp1291Gly)

Gene: SYNE1 (spectrin repeat containing nuclear envelope protein 1; minus strand). Cytogenetic location: 6q25.2.
Variant type: single nucleotide variant.
Coding change: c.3872A>G on transcript NM_182961.4 (MANE Select); coding-DNA position 3872, A replaced by G.
Protein change: p.Asp1291Gly; replaces aspartic acid 1291 with glycine.
Molecular consequence: missense variant.
Genome position (GRCh38, 1-based): chr6:152,442,211, T>C on the plus strand (A>G on the coding strand, the complement: SYNE1 is on the minus strand). VCF-style: chr6-152442211-T-C. GRCh37 (hg19) VCF-style: chr6-152763346-T-C.
Other names: c.3893A>G, p.Asp1298Gly (NM_033071.5); short protein forms D1291G, D1298G.
Identifiers: ClinVar variation 289780 (VCV000289780.8), dbSNP rs148000801, ClinGen allele CA4058732.
Genomic context (GRCh38, chr6:152,442,211, plus strand): 5'-TGGCCTCGGTCAGGCAGCCCCCCTTCTCCCTGCTGCGCCTGCGCGATCTGCTGCTGCACA[T>C]CTCTCTTCTTTGCTGAGATCCGCTTTGTCTTTTGCTAGAAGCATTTATTCAACAGATGGA-3'
Protein context (NP_892006.3, residues 1281-1301): KTKRISAKKR[Asp1291Gly]VQQQIAQAQQ

ClinVar aggregate classification (germline): Uncertain significance. Review status: criteria provided, multiple submitters, no conflicts (2 of 4 stars). 2 submissions from 2 submitters: Uncertain significance (2). Last evaluated 2022-09-01.

Conditions:
Autosomal recessive ataxia, Beauce type. Also called: Spinocerebellar ataxia, autosomal recessive 8; ATAXIA, RECESSIVE, OF BEAUCE; SYNE1 Deficiency; SYNE1-Related Autosomal Recessive Cerebellar Ataxia. Identifiers: Orphanet 88644, MedGen C1853116, MONDO:0012549, OMIM 610743.
Emery-Dreifuss muscular dystrophy 4, autosomal dominant (EDMD4). Also called: EMERY-DREIFUSS MUSCULAR DYSTROPHY 4 WITH VARIABLE FEATURES. Identifiers: Orphanet 261, MedGen C2751807, MONDO:0013071, OMIM 612998.

Allele frequency attached by ClinVar (database versions not stated): gnomAD exomes 0.00001; ExAC 0.00002; TOPMed 0.00004; gnomAD 0.00005 and 0.00006; ESP Exome Variant Server 0.00008; 1000 Genomes Project 0.00020; 1000 Genomes Project 30x 0.00031.
gnomAD v4.1: 23 of 1,613,522 alleles (0.0014%); highest among the groups gnomAD compares: African/African-American, 0.028%; no homozygotes.

Submissions (2):

Labcorp Genetics (formerly Invitae), Labcorp
Classification: Uncertain significance for Emery-Dreifuss muscular dystrophy 4, autosomal dominant; Autosomal recessive ataxia, Beauce type. Last evaluated: 2022-09-01. Review status: criteria provided, single submitter. Criteria: Invitae Variant Classification Sherloc (09022015). Collection method: clinical testing. Allele origin: germline.
Comment: In summary, the available evidence is currently insufficient to determine the role of this variant in disease. Therefore, it has been classified as a Variant of Uncertain Significance. Algorithms developed to predict the effect of sequence changes on RNA splicing suggest that this variant may create or strengthen a splice site. Algorithms developed to predict the effect of missense changes on protein structure and function (SIFT, PolyPhen-2, Align-GVGD) all suggest that this variant is likely to be tolerated. ClinVar contains an entry for this variant (Variation ID: 289780). This variant has not been reported in the literature in individuals affected with SYNE1-related conditions. This variant is present in population databases (rs148000801, gnomAD 0.03%). This sequence change replaces aspartic acid, which is acidic and polar, with glycine, which is neutral and non-polar, at codon 1298 of the SYNE1 protein (p.Asp1298Gly).

Eurofins Ntd Llc (ga)
Classification: Uncertain significance. Last evaluated: 2016-07-22. Review status: criteria provided, single submitter. Criteria: EGL Classification Definitions 2015. Collection method: clinical testing. Allele origin: germline. Observed: 1 variant allele, 1 heterozygote.